The following is an entry in ClinVar:

ClinVar aggregate classification (germline): Likely benign. Review status: criteria provided, multiple submitters, no conflicts (2 of 4 stars). 3 submissions from 3 submitters: Likely benign (3). Last evaluated 2026-09-03.

Conditions:
Hereditary cancer-predisposing syndrome. Also called: Hereditary neoplastic syndrome; Neoplastic Syndromes, Hereditary; Hereditary Cancer Syndrome; Tumor predisposition. Identifiers: Orphanet 140162, MedGen C0027672, MeSH D009386, MONDO:0015356.
Multiple endocrine neoplasia type 4. Also called: MULTIPLE ENDOCRINE NEOPLASIA, TYPE IV. Identifiers: Orphanet 276152, MedGen C1970712, MONDO:0012552, OMIM 610755.
CDKN1B-related disorder. Also called: CDKN1B-related condition.

Allele frequency attached by ClinVar (database versions not stated): gnomAD below 0.00001 and 0.00001; gnomAD exomes 0.00001 and 0.00004; ExAC 0.00003.

Submissions (3):

PreventionGenetics, part of Exact Sciences
Classification: Likely benign for CDKN1B-related condition. Last evaluated: 2026-09-03. Review status: criteria provided, single submitter. Criteria: ACMG Guidelines, 2015. Collection method: clinical testing. Allele origin: germline.
Comment: This variant is classified as likely benign based on ACMG/AMP sequence variant interpretation guidelines (Richards et al. 2015 PMID: 25741868, with internal and published modifications).

Labcorp Genetics (formerly Invitae), Labcorp
Classification: Likely benign for Multiple endocrine neoplasia type 4. Last evaluated: 2026-01-19. Review status: criteria provided, single submitter. Criteria: Invitae Variant Classification Sherloc (09022015). Collection method: clinical testing. Allele origin: germline.

Ambry Genetics
Classification: Likely benign for Hereditary cancer-predisposing syndrome. Last evaluated: 2021-03-25. Review status: criteria provided, single submitter. Criteria: Ambry Variant Classification Scheme 2023. Collection method: clinical testing. Allele origin: germline.

NM_004064.5(CDKN1B):c.366G>C (p.Pro122=)

Gene: CDKN1B (cyclin dependent kinase inhibitor 1B; plus strand). Cytogenetic location: 12p13.1.
Variant type: single nucleotide variant.
Coding change: c.366G>C on transcript NM_004064.5 (MANE Select); coding-DNA position 366, G replaced by C.
Protein change: p.Pro122=; no amino-acid change (proline 122 retained).
Molecular consequence: synonymous variant.
Genome position (GRCh38, 1-based): chr12:12,718,205, G>C. VCF-style: chr12-12718205-G-C. GRCh37 (hg19) VCF-style: chr12-12871139-G-C.
Identifiers: ClinVar variation 770104 (VCV000770104.14), dbSNP rs776945453, ClinGen allele CA6457478.